The following is an entry in ClinVar:

ClinVar aggregate classification (germline): Uncertain significance. Review status: criteria provided, multiple submitters, no conflicts (2 of 4 stars). 2 submissions from 2 submitters: Uncertain significance (2). Last evaluated 2025-12-19.

Conditions:
Congenital contractural arachnodactyly (CCA). Also called: Beals-Hecht syndrome; BEALS SYNDROME; Arthrogryposis, distal, type 9. Identifiers: Orphanet 115, MedGen C0220668, MONDO:0007363, OMIM 121050.
Familial thoracic aortic aneurysm and aortic dissection (TAAD). Also called: Thoracic aortic aneurysms and dissections. Identifiers: Orphanet 91387, MedGen C4707243, MONDO:0019625.

Allele frequency attached by ClinVar (database versions not stated): TOPMed 0.00001; gnomAD exomes 0.00003 and 0.00006; ExAC 0.00012.
gnomAD v4.1: 19 of 1,614,088 alleles (0.0012%); highest among the groups gnomAD compares: Admixed American, 0.028%; no homozygotes.

Submissions (2):

Ambry Genetics
Classification: Uncertain significance for Familial thoracic aortic aneurysm and aortic dissection. Last evaluated: 2025-12-19. Review status: criteria provided, single submitter. Criteria: Ambry Variant Classification Scheme 2023. Collection method: clinical testing. Allele origin: germline.
Comment: The p.I1651V variant (also known as c.4951A>G), located in coding exon 39 of the FBN2 gene, results from an A to G substitution at nucleotide position 4951. The isoleucine at codon 1651 is replaced by valine, an amino acid with highly similar properties. This amino acid position is conserved. In addition, the in silico prediction for this alteration is inconclusive. Based on the available evidence, the clinical significance of this variant remains unclear.

Labcorp Genetics (formerly Invitae), Labcorp
Classification: Uncertain significance for Congenital contractural arachnodactyly. Last evaluated: 2023-05-22. Review status: criteria provided, single submitter. Criteria: Invitae Variant Classification Sherloc (09022015). Collection method: clinical testing. Allele origin: germline.
Comment: In summary, the available evidence is currently insufficient to determine the role of this variant in disease. Therefore, it has been classified as a Variant of Uncertain Significance. This sequence change replaces isoleucine, which is neutral and non-polar, with valine, which is neutral and non-polar, at codon 1651 of the FBN2 protein (p.Ile1651Val). This variant is present in population databases (rs765442038, gnomAD 0.03%). This missense change has been observed in individual(s) with congenital contractural arachnodactyly (Invitae). ClinVar contains an entry for this variant (Variation ID: 573716). An algorithm developed to predict the effect of missense changes on protein structure and function (PolyPhen-2) suggests that this variant is likely to be disruptive.

NM_001999.4(FBN2):c.4951A>G (p.Ile1651Val)

Gene: FBN2 (fibrillin 2; minus strand). Cytogenetic location: 5q23.3.
Variant type: single nucleotide variant.
Coding change: c.4951A>G on transcript NM_001999.4 (MANE Select); coding-DNA position 4951, A replaced by G.
Protein change: p.Ile1651Val; replaces isoleucine 1651 with valine.
Molecular consequence: missense variant.
Genome position (GRCh38, 1-based): chr5:128,311,423, T>C on the plus strand (A>G on the coding strand, the complement: FBN2 is on the minus strand). VCF-style: chr5-128311423-T-C. GRCh37 (hg19) VCF-style: chr5-127647115-T-C.
Other names: short protein forms I1651V.
Identifiers: ClinVar variation 573716 (VCV000573716.12), dbSNP rs765442038, ClinGen allele CA3394816.